The following is an entry in ClinVar:

ClinVar aggregate classification (germline): Likely benign. Review status: criteria provided, multiple submitters, no conflicts (2 of 4 stars). 3 submissions from 3 submitters: Likely benign (3). Last evaluated 2026-01-26.

Conditions:
Cardiomyopathy (CMYO). Also called: Cardiomyopathies. Identifiers: Orphanet 167848, MedGen C0878544, MONDO:0004994, HP:0001638. Inheritance: Various modes of inheritance.
Hypertrophic cardiomyopathy. Also called: HYPERTROPHIC MYOCARDIOPATHY. Identifiers: Orphanet 217569, MedGen C0007194, MeSH D002312, MONDO:0005045, HP:0001639.

gnomAD v4.1: 2 of 1,614,060 alleles (0.00012%); highest among the groups gnomAD compares: East Asian, 0.0022%; no homozygotes.

Submissions (3):

Labcorp Genetics (formerly Invitae), Labcorp
Classification: Likely benign for Hypertrophic cardiomyopathy. Last evaluated: 2026-01-26. Review status: criteria provided, single submitter. Criteria: Invitae Variant Classification Sherloc (09022015). Collection method: clinical testing. Allele origin: germline.

All of Us Research Program, National Institutes of Health
Classification: Likely benign for Cardiomyopathy. Last evaluated: 2023-06-08. Review status: criteria provided, single submitter. Criteria: ACMG Guidelines, 2015. Collection method: clinical testing. Allele origin: germline. Inheritance: Autosomal dominant inheritance. Observed: 2 variant alleles, 2 heterozygotes.
Comment: This study involves interpretation of variants in research participants for the purpose of population health screening. Participant phenotype was not available at the time of variant classification. Additional details can be found in publication PMID: 35346344, PMCID: PMC8962531

Color Diagnostics, LLC DBA Color Health
Classification: Likely benign for Cardiomyopathy. Last evaluated: 2018-11-23. Review status: criteria provided, single submitter. Criteria: ACMG Guidelines, 2015. Collection method: clinical testing. Allele origin: germline.

NM_000257.4(MYH7):c.346-6C>G

Gene: MYH7 (myosin heavy chain 7; minus strand). Cytogenetic location: 14q11.2.
Variant type: single nucleotide variant.
Coding change: c.346-6C>G on transcript NM_000257.4 (MANE Select); 6 bases into the intron before coding-DNA position 346, C replaced by G.
Molecular consequence: intron variant.
Genome position (GRCh38, 1-based): chr14:23,432,801, G>C on the plus strand (C>G on the coding strand, the complement: MYH7 is on the minus strand). VCF-style: chr14-23432801-G-C. GRCh37 (hg19) VCF-style: chr14-23902010-G-C.
Identifiers: ClinVar variation 922447 (VCV000922447.7), dbSNP rs1179088209, ClinGen allele CA613318120.
Genomic context (GRCh38, chr14:23,432,801, plus strand): 5'-ACACCGGCAGCCACTTGTAAGGGTTGACGGTGACACAGAAGAGGCCCGAGTAGGTCTGGG[G>C]ATAGAAAAGGAGCAGTGACTTGCCAGTTGCGAAGGGGGAGGGCTGGTGATTTTGGGAGTT-3'